The following is an entry in ClinVar:

NC_000015.9:g.(?_89346666)_(89418585_?)del

Gene: ACAN (aggrecan; plus strand). Cytogenetic location: 15q26.1.
Variant type: Deletion.
Identifiers: ClinVar variation 2429182 (VCV002429182.3).

ClinVar aggregate classification (germline): Pathogenic (1 of 4 stars; one submission).

Conditions:
ACAN-related disorder. Also called: ACAN-related condition; ACAN-related disorders.

Submission:

Women's Health and Genetics/Laboratory Corporation of America, LabCorp
Classification: Pathogenic for ACAN-Related Disorders. Last evaluated: 2023-01-27. Review status: criteria provided, single submitter. Criteria: LabCorp Variant Classification Summary - May 2015. Collection method: clinical testing. Allele origin: germline.
Comment: Variant summary: The variant identified by MLPA or other technology involves the deletion of exons 1-19 (i.e. the full coding sequence) of the ACAN gene. A presumed nomenclature of c.(?_-382)_(*873_?)del has been designated for the purposes of this classification. Since exact breakpoints of this deletion are not known, it might extend beyond the assayed region of the ACAN gene, including other flanking genes. The variant was absent in 21694 control chromosomes (gnomAD, structural variants dataset). To our knowledge, no occurrence of c.(?_-382)_(*873_?)del in individuals affected with ACAN-Related Disorders and no experimental evidence demonstrating its impact on protein function have been reported. At least one clinical diagnostic laboratory has submitted clinical-significance assessments for a similar large deletion variant to ClinVar after 2014, and classified the variant as pathogenic. Based on the evidence outlined above, the variant was classified as pathogenic.